The following is an entry in ClinVar:

ClinVar aggregate classification (germline): Uncertain significance (1 of 4 stars; one submission).

Conditions:
Primary ciliary dyskinesia. Also called: Ciliary dyskinesia. Identifiers: Orphanet 244, MedGen C0008780, MONDO:0016575, HP:0012265.

gnomAD v4.1: 2 of 1,614,108 alleles (0.00012%); highest among the groups gnomAD compares: South Asian, 0.0011%; no homozygotes.

Submission:

Labcorp Genetics (formerly Invitae), Labcorp
Classification: Uncertain significance for Primary ciliary dyskinesia. Last evaluated: 2024-06-20. Review status: criteria provided, single submitter. Criteria: Invitae Variant Classification Sherloc (09022015). Collection method: clinical testing. Allele origin: germline.
Comment: This sequence change replaces arginine, which is basic and polar, with serine, which is neutral and polar, at codon 647 of the DRC1 protein (p.Arg647Ser). This variant is present in population databases (rs761559151, gnomAD 0.003%). This variant has not been reported in the literature in individuals affected with DRC1-related conditions. An algorithm developed to predict the effect of missense changes on protein structure and function (PolyPhen-2) suggests that this variant is likely to be tolerated. In summary, the available evidence is currently insufficient to determine the role of this variant in disease. Therefore, it has been classified as a Variant of Uncertain Significance.

NM_145038.5(DRC1):c.1941G>C (p.Arg647Ser)

Gene: DRC1 (dynein regulatory complex subunit 1; plus strand). Cytogenetic location: 2p23.3.
Variant type: single nucleotide variant.
Coding change: c.1941G>C on transcript NM_145038.5 (MANE Select); coding-DNA position 1941, G replaced by C.
Protein change: p.Arg647Ser; replaces arginine 647 with serine.
Molecular consequence: missense variant.
Genome position (GRCh38, 1-based): chr2:26,454,668, G>C. VCF-style: chr2-26454668-G-C. GRCh37 (hg19) VCF-style: chr2-26677536-G-C.
Other names: short protein forms R647S.
Identifiers: ClinVar variation 3685786 (VCV003685786.2).